The following is an entry in ClinVar:

ClinVar aggregate classification (germline): Uncertain significance (1 of 4 stars; one submission).

Submission:

GeneDx
Classification: Uncertain significance. Last evaluated: 2025-09-30. Review status: criteria provided, single submitter. Criteria: GeneDx Variant Classification Process June 2021. Collection method: clinical testing. Allele origin: germline. Affected: yes.
Comment: Not observed at significant frequency in large population cohorts (gnomAD); In silico analysis supports that this missense variant has a deleterious effect on protein structure/function; Has not been previously published as pathogenic or benign to our knowledge

NM_018684.4(ZC4H2):c.407A>T (p.Glu136Val)

Gene: ZC4H2 (zinc finger C4H2-type containing; minus strand). Cytogenetic location: Xq11.2.
Variant type: single nucleotide variant.
Coding change: c.407A>T on transcript NM_018684.4 (MANE Select); coding-DNA position 407, A replaced by T.
Protein change: p.Glu136Val; replaces glutamic acid 136 with valine.
Molecular consequence: missense variant. On other transcripts: non-coding transcript variant (1), intron variant (1).
Genome position (GRCh38, 1-based): chrX:64,919,196, T>A on the plus strand (A>T on the coding strand, the complement: ZC4H2 is on the minus strand). VCF-style: chrX-64919196-T-A. GRCh37 (hg19) VCF-style: chrX-64139076-T-A.
Other names: c.338A>T, p.Glu113Val (NM_001178032.3, NM_001243804.2); c.398+885A>T (NM_001178033.3); short protein forms E136V, E113V.
Identifiers: ClinVar variation 432330 (VCV000432330.3), dbSNP rs1555933860, ClinGen allele CA413411643.